The following is an entry in ClinVar:

ClinVar aggregate classification (germline): Likely pathogenic (1 of 4 stars; one submission).

Conditions:
GATA6-related disorder. Also called: GATA6-related condition.

Submission:

PreventionGenetics, part of Exact Sciences
Classification: Likely pathogenic for GATA6-related condition. Last evaluated: 2023-01-05. Review status: criteria provided, single submitter. Criteria: ACMG Guidelines, 2015. Collection method: clinical testing. Allele origin: germline.
Comment: The GATA6 c.677_729del53 variant is predicted to result in a frameshift and premature protein termination (p.Pro226Argfs*56). To our knowledge, this variant has not been reported in the literature or in a large population database, indicating this variant is rare. Frameshift variants in GATA6 are expected to be pathogenic. This variant is interpreted as likely pathogenic.

NM_005257.6(GATA6):c.677_729del (p.Pro226fs)

Gene: GATA6 (GATA binding protein 6; plus strand). Cytogenetic location: 18q11.2.
Variant type: Deletion.
Coding change: c.677_729del on transcript NM_005257.6 (MANE Select); coding-DNA positions 677 to 729, 53 bases deleted.
Protein change: p.Pro226fs; shifts the reading frame from proline 226.
Molecular consequence: frameshift variant.
Genome position (GRCh38, 1-based): chr18:22,171,821-22,171,873, 53 bases deleted. GRCh37 (hg19): chr18:19,751,782-19,751,834.
Other names: short protein forms P226fs.
Identifiers: ClinVar variation 2629622 (VCV002629622.1), dbSNP rs2510626075, ClinGen allele CA2695200387.